The following is an entry in ClinVar:

ClinVar aggregate classification (germline): Pathogenic (1 of 4 stars; one submission).

Conditions:
Fanconi anemia complementation group E (FANCE). Also called: FANCE-Related Fanconi Anemia. Identifiers: Orphanet 84, MedGen C3160739, MONDO:0010953, OMIM 600901.

Submission:

Labcorp Genetics (formerly Invitae), Labcorp
Classification: Pathogenic for Fanconi anemia complementation group E. Last evaluated: 2024-03-07. Review status: criteria provided, single submitter. Criteria: Invitae Variant Classification Sherloc (09022015). Collection method: clinical testing. Allele origin: germline.
Comment: This sequence change creates a premature translational stop signal (p.Leu305*) in the FANCE gene. It is expected to result in an absent or disrupted protein product. Loss-of-function variants in FANCE are known to be pathogenic (PMID: 11001585, 17924555). This variant is not present in population databases (gnomAD no frequency). This variant has not been reported in the literature in individuals affected with FANCE-related conditions. For these reasons, this variant has been classified as Pathogenic.

Literature cited by the submitters: PubMed 11001585; PubMed 17924555.

NM_021922.3(FANCE):c.914T>A (p.Leu305Ter)

Gene: FANCE (FA complementation group E; plus strand). Cytogenetic location: 6p21.31.
Variant type: single nucleotide variant.
Coding change: c.914T>A on transcript NM_021922.3 (MANE Select); coding-DNA position 914, T replaced by A.
Protein change: p.Leu305Ter; replaces leucine 305 with a stop codon.
Molecular consequence: nonsense.
Genome position (GRCh38, 1-based): chr6:35,457,929, T>A. VCF-style: chr6-35457929-T-A. GRCh37 (hg19) VCF-style: chr6-35425706-T-A.
Other names: c.914T>A, p.Leu305Ter (NM_001410876.1); short protein forms L305*.
Identifiers: ClinVar variation 3021048 (VCV003021048.3), dbSNP rs2533669319, ClinGen allele CA363774895.